The following is an entry in ClinVar:

ClinVar aggregate classification (germline): Uncertain significance (1 of 4 stars; one submission).

Conditions:
Charcot-Marie-Tooth disease type 4. Also called: Charcot-Marie-Tooth, Type 4; Charcot-Marie-Tooth disease, type IV. Identifiers: Orphanet 64749, MedGen C4082197, MONDO:0018995.

Allele frequency attached by ClinVar (database versions not stated): gnomAD exomes below 0.00001.
gnomAD v4.1: 6 of 1,614,188 alleles (0.00037%); highest among the groups gnomAD compares: East Asian, 0.0022%; no homozygotes.

Submission:

Labcorp Genetics (formerly Invitae), Labcorp
Classification: Uncertain significance for Charcot-Marie-Tooth disease type 4. Last evaluated: 2021-11-29. Review status: criteria provided, single submitter. Criteria: Invitae Variant Classification Sherloc (09022015). Collection method: clinical testing. Allele origin: germline.
Comment: This sequence change replaces leucine, which is neutral and non-polar, with valine, which is neutral and non-polar, at codon 67 of the FGD4 protein (p.Leu67Val). This variant is present in population databases (no rsID available, gnomAD 0.006%). This variant has not been reported in the literature in individuals affected with FGD4-related conditions. ClinVar contains an entry for this variant (Variation ID: 946524). Algorithms developed to predict the effect of missense changes on protein structure and function output the following: SIFT: "Tolerated"; PolyPhen-2: "Benign"; Align-GVGD: "Class C0". The valine amino acid residue is found in multiple mammalian species, which suggests that this missense change does not adversely affect protein function. In summary, the available evidence is currently insufficient to determine the role of this variant in disease. Therefore, it has been classified as a Variant of Uncertain Significance.

NM_001370298.3(FGD4):c.610C>G (p.Leu204Val)

Gene: FGD4 (FYVE, RhoGEF and PH domain containing 4; plus strand). Cytogenetic location: 12p11.21.
Variant type: single nucleotide variant.
Coding change: c.610C>G on transcript NM_001370298.3 (MANE Select); coding-DNA position 610, C replaced by G.
Protein change: p.Leu204Val; replaces leucine 204 with valine.
Molecular consequence: missense variant. On other transcripts: 5 prime UTR variant (5), non-coding transcript variant (1), intron variant (1).
Genome position (GRCh38, 1-based): chr12:32,582,066, C>G. VCF-style: chr12-32582066-C-G. GRCh37 (hg19) VCF-style: chr12-32735000-C-G.
Other names: c.454C>G, p.Leu152Val (NM_001304481.2); c.-646C>G (NM_001304483.2); c.-953C>G (NM_001304484.2); c.-81C>G (NM_001330373.2, NM_001330374.2, NM_001384130.1); c.610C>G, p.Leu204Val (NM_001384126.1); c.199C>G, p.Leu67Val (NM_001384127.1, NM_001384128.1, NM_001384131.1 and 3 more transcripts); c.49-16431C>G (NM_001370297.1); short protein forms L67V, L152V, L204V.
Identifiers: ClinVar variation 946524 (VCV000946524.5), dbSNP rs906371311, ClinGen allele CA235437761.